The following is an entry in ClinVar:

NM_001162501.2(TNRC6B):c.581G>T (p.Gly194Val)

Gene: TNRC6B (trinucleotide repeat containing adaptor 6B; plus strand). Cytogenetic location: 22q13.1.
Variant type: single nucleotide variant.
Coding change: c.581G>T on transcript NM_001162501.2 (MANE Select); coding-DNA position 581, G replaced by T.
Protein change: p.Gly194Val; replaces glycine 194 with valine.
Molecular consequence: missense variant. On other transcripts: intron variant (1).
Genome position (GRCh38, 1-based): chr22:40,264,811, G>T. VCF-style: chr22-40264811-G-T. GRCh37 (hg19) VCF-style: chr22-40660815-G-T.
Other names: c.581G>T, p.Gly194Val (NM_015088.3); c.565+2638G>T (NM_001024843.2); short protein forms G194V.
Identifiers: ClinVar variation 4278616 (VCV004278616.1).
Genomic context (GRCh38, chr22:40,264,811, plus strand): 5'-CCTCCAACAACGGCACCTCCCCCAACCCAATTCACATCTGGGACAAGGTGATTGTAGACG[G>T]GTCTGACATGGAAGAGTGGCCTTGTATTGCCAGCAAAGACACTGAATCTTCTTCCGAAAA-3'
Protein context (NP_001155973.1, residues 184-204): IHIWDKVIVD[Gly194Val]SDMEEWPCIA

ClinVar aggregate classification (germline): Uncertain significance (1 of 4 stars; one submission).

Submission:

GeneDx
Classification: Uncertain significance. Last evaluated: 2025-03-27. Review status: criteria provided, single submitter. Criteria: GeneDx Variant Classification Process June 2021. Collection method: clinical testing. Allele origin: germline. Affected: yes.
Comment: Not observed at significant frequency in large population cohorts (gnomAD); In silico analysis supports that this missense variant has a deleterious effect on protein structure/function; Has not been previously published as pathogenic or benign to our knowledge